The following is an entry in ClinVar:

ClinVar aggregate classification (germline): Uncertain significance (1 of 4 stars; one submission).

Conditions:
Baller-Gerold syndrome (BGS). Also called: CRANIOSYNOSTOSIS WITH RADIAL DEFECTS. Identifiers: Orphanet 1225, MedGen C0265308, MONDO:0009039, OMIM 218600.

Submission:

Labcorp Genetics (formerly Invitae), Labcorp
Classification: Uncertain significance for Baller-Gerold syndrome. Last evaluated: 2020-07-03. Review status: criteria provided, single submitter. Criteria: Invitae Variant Classification Sherloc (09022015). Collection method: clinical testing. Allele origin: germline.
Comment: This variant has not been reported in the literature in individuals with RECQL4-related conditions. This variant is not present in population databases (ExAC no frequency). This sequence change replaces glutamic acid with glycine at codon 164 of the RECQL4 protein (p.Glu164Gly). The glutamic acid residue is weakly conserved and there is a moderate physicochemical difference between glutamic acid and glycine. Experimental studies and prediction algorithms are not available or were not evaluated, and the functional significance of this variant is currently unknown. In summary, the available evidence is currently insufficient to determine the role of this variant in disease. Therefore, it has been classified as a Variant of Uncertain Significance.

NM_004260.4(RECQL4):c.491A>G (p.Glu164Gly)

Gene: RECQL4 (RecQ like helicase 4; minus strand). Cytogenetic location: 8q24.3.
Variant type: single nucleotide variant.
Coding change: c.491A>G on transcript NM_004260.4 (MANE Select); coding-DNA position 491, A replaced by G.
Protein change: p.Glu164Gly; replaces glutamic acid 164 with glycine.
Molecular consequence: missense variant.
Genome position (GRCh38, 1-based): chr8:144,516,628, T>C on the plus strand (A>G on the coding strand, the complement: RECQL4 is on the minus strand). VCF-style: chr8-144516628-T-C. GRCh37 (hg19) VCF-style: chr8-145742012-T-C.
Other names: short protein forms E164G.
Identifiers: ClinVar variation 1002946 (VCV001002946.3), dbSNP rs1554903532, ClinGen allele CA372691274.